The following is an entry in ClinVar:

ClinVar aggregate classification (germline): Uncertain significance (1 of 4 stars; one submission).

Conditions:
Arrhythmogenic right ventricular dysplasia 9 (ARVD9). Also called: ARRHYTHMOGENIC RIGHT VENTRICULAR DYSPLASIA, FAMILIAL, 9; Arrhythmogenic Right Ventricular Dysplasia/Cardiomyopathy 9. Identifiers: MedGen C1836906, MONDO:0012180, OMIM 609040.

Submission:

Labcorp Genetics (formerly Invitae), Labcorp
Classification: Uncertain significance for Arrhythmogenic right ventricular dysplasia 9. Last evaluated: 2022-06-27. Review status: criteria provided, single submitter. Criteria: Invitae Variant Classification Sherloc (09022015). Collection method: clinical testing. Allele origin: germline.
Comment: In summary, the available evidence is currently insufficient to determine the role of this variant in disease. Therefore, it has been classified as a Variant of Uncertain Significance. Algorithms developed to predict the effect of missense changes on protein structure and function (SIFT, PolyPhen-2, Align-GVGD) all suggest that this variant is likely to be disruptive. This variant has not been reported in the literature in individuals affected with PKP2-related conditions. This variant is not present in population databases (gnomAD no frequency). This sequence change replaces threonine, which is neutral and polar, with isoleucine, which is neutral and non-polar, at codon 559 of the PKP2 protein (p.Thr559Ile).

NM_001005242.3(PKP2):c.1544C>T (p.Thr515Ile)

Gene: PKP2 (plakophilin 2; minus strand). Cytogenetic location: 12p11.21.
Variant type: single nucleotide variant.
Coding change: c.1544C>T on transcript NM_001005242.3 (MANE Select); coding-DNA position 1544, C replaced by T.
Protein change: p.Thr515Ile; replaces threonine 515 with isoleucine.
Molecular consequence: missense variant.
Genome position (GRCh38, 1-based): chr12:32,841,040, G>A on the plus strand (C>T on the coding strand, the complement: PKP2 is on the minus strand). VCF-style: chr12-32841040-G-A. GRCh37 (hg19) VCF-style: chr12-32993974-G-A.
Other names: c.1544C>T, p.Thr515Ile (NM_001407155.1, NM_001407156.1, NM_001407161.1); c.1676C>T, p.Thr559Ile (NM_001407157.1, NM_004572.4); c.1217C>T, p.Thr406Ile (NM_001407158.1, NM_001407159.1, NM_001407160.1 and 1 more transcripts); short protein forms T406I, T515I, T559I.
Identifiers: ClinVar variation 2011420 (VCV002011420.4), dbSNP rs2541264654, ClinGen allele CA384367229.